The following is an entry in ClinVar:

NM_004360.5(CDH1):c.163+9G>A

Gene: CDH1 (cadherin 1; plus strand). Cytogenetic location: 16q22.1.
Variant type: single nucleotide variant.
Coding change: c.163+9G>A on transcript NM_004360.5 (MANE Select); 9 bases into the intron after coding-DNA position 163, G replaced by A.
Molecular consequence: intron variant.
Genome position (GRCh38, 1-based): chr16:68,738,420, G>A. VCF-style: chr16-68738420-G-A. GRCh37 (hg19) VCF-style: chr16-68772323-G-A.
Other names: c.-1453+9G>A (NM_001317185.2); c.-1657+9G>A (NM_001317186.2); c.163+9G>A (NM_001317184.2).
Identifiers: ClinVar variation 923698 (VCV000923698.3), dbSNP rs1247318124, ClinGen allele CA913188720.
Genomic context (GRCh38, chr16:68,738,420, plus strand): 5'-ACGTTCACGGTGCCCCGGCGCCACCTGGAGAGAGGCCGCGTCCTGGGCAGAGGTGAGGGC[G>A]CGCTGCCGGTGTCCCTGGGCGGAGTAGGGAGGGGTTGGAAAGGGGCCGAGAAATTGCACT-3'

ClinVar aggregate classification (germline): Likely benign. Review status: criteria provided, multiple submitters, no conflicts (2 of 4 stars). 2 submissions from 2 submitters: Likely benign (2). Last evaluated 2024-09-11.

Conditions:
Hereditary cancer-predisposing syndrome. Also called: Hereditary Cancer Syndrome; Hereditary neoplastic syndrome; Neoplastic Syndromes, Hereditary; Tumor predisposition. Identifiers: Orphanet 140162, MedGen C0027672, MeSH D009386, MONDO:0015356.
Hereditary diffuse gastric adenocarcinoma (HDGC). Also called: DIFFUSE GASTRIC AND LOBULAR BREAST CANCER SYNDROME. Identifiers: Orphanet 26106, MedGen C1708349, MONDO:0007648, OMIM 137215.

Submissions (2):

Myriad Genetics, Inc.
Classification: Likely benign for Hereditary diffuse gastric adenocarcinoma. Last evaluated: 2024-09-11. Review status: criteria provided, single submitter. Criteria: Myriad Autosomal Dominant, Autosomal Recessive and X-Linked Classification Criteria (2023). Collection method: clinical testing. Allele origin: unknown.
Comment: This variant is considered likely benign. This variant is intronic and is not expected to impact mRNA splicing.

Color Diagnostics, LLC DBA Color Health
Classification: Likely benign for Hereditary cancer-predisposing syndrome. Last evaluated: 2019-02-05. Review status: criteria provided, single submitter. Criteria: ACMG Guidelines, 2015. Collection method: clinical testing. Allele origin: germline.